The following is an entry in ClinVar:

NM_000340.2(SLC2A2):c.2T>G (p.Met1Arg)

Gene: SLC2A2 (solute carrier family 2 member 2; minus strand). Cytogenetic location: 3q26.2.
Variant type: single nucleotide variant.
Coding change: c.2T>G on transcript NM_000340.2 (MANE Select); coding-DNA position 2, T replaced by G.
Protein change: p.Met1Arg; changes the start codon (methionine 1).
Molecular consequence: missense variant, initiator codon variant. On other transcripts: 5 prime UTR variant (2).
Genome position (GRCh38, 1-based): chr3:171,026,669, A>C on the plus strand (T>G on the coding strand, the complement: SLC2A2 is on the minus strand). VCF-style: chr3-171026669-A-C. GRCh37 (hg19) VCF-style: chr3-170744458-A-C.
Other names: c.-93T>G (NM_001278658.2); c.-393T>G (NM_001278659.2); short protein forms M1R.
Identifiers: ClinVar variation 1339447 (VCV001339447.4), dbSNP rs1716716102, ClinGen allele CA355481286.
Genomic context (GRCh38, chr3:171,026,669, plus strand): 5'-ACTATCTCCTGAAAACCAGACTTGAAATGAATATAATGCTGCTTTACCTTATCTTCTGTC[A>C]TTGTACTAGTTGGGAGTCCTGTCAATTCCAGGTCTTGTGTGAGTGTGGCACATGCACCTG-3'
Protein context (NP_000331.1, residues 1-11): [Met1Arg]TEDKVTGTLV

ClinVar aggregate classification (germline): Pathogenic (1 of 4 stars; one submission).

Conditions:
Fanconi-Bickel syndrome (FBS). Also called: FANCONI SYNDROME WITH INTESTINAL MALABSORPTION AND GALACTOSE INTOLERANCE; HEPATIC GLYCOGENOSIS WITH AMINO ACIDURIA AND GLUCOSURIA; HEPATIC GLYCOGENOSIS WITH FANCONI NEPHROPATHY; HEPATORENAL GLYCOGENOSIS WITH RENAL FANCONI SYNDROME; Glycogen storage disease due to GLUT2 deficiency; PSEUDO-PHLORIZIN DIABETES. Identifiers: Orphanet 2088, MedGen C3495427, MONDO:0009216, OMIM 227810.

Submission:

Laboratory of Cyto-molecular Genetics, Department of Anatomy, All India Institute of Medical Sciences (AIIMS), New Delhi
Classification: Pathogenic for Fanconi-Bickel syndrome. Last evaluated: 2022-02-07. Review status: criteria provided, single submitter. Criteria: ACMG Guidelines, 2015. Collection method: clinical testing. Allele origin: germline. Affected: yes. Observed: 2 variant alleles.
Comment: p.(Met1?); loss of start codon

Literature cited by the submitters: PubMed 35738466.